The following is an entry in ClinVar:

ClinVar aggregate classification (germline): Conflicting classifications of pathogenicity. Review status: criteria provided, conflicting classifications (1 of 4 stars). 3 submissions from 3 submitters: Likely pathogenic (1); Uncertain significance (1). 1 of the submissions does not count toward it. Last evaluated 2025-06-25.

Conditions:
Hypohidrotic X-linked ectodermal dysplasia (XHED). Also called: Ectodermal Dysplasia 1, Anhidrotic; ECTODERMAL DYSPLASIA 1, HYPOHIDROTIC, X-LINKED; ECTODERMAL DYSPLASIA 1, HYPOHIDROTIC/HAIR/TOOTH TYPE, X-LINKED; Anhidrotic ectodermal dysplasia X-linked; Christ Siemens Touraine syndrome; ECTODERMAL DYSPLASIA, HYPOHIDROTIC, 1. Identifiers: Orphanet 181, Orphanet 238468, MedGen C0162359, MONDO:0010585, OMIM 305100.

Allele frequency attached by ClinVar (database versions not stated): gnomAD exomes below 0.00001; TOPMed 0.00001.
gnomAD v4.1: 1 of 1,207,705 alleles (0.000083%); highest among the groups gnomAD compares: East Asian, 0.003%; no homozygotes.

Submissions (3):

GeneDx
Classification: Likely pathogenic. Last evaluated: 2025-06-25. Review status: criteria provided, single submitter. Criteria: GeneDx Variant Classification Process June 2021. Collection method: clinical testing. Allele origin: germline. Affected: yes.
Comment: Not observed at significant frequency in large population cohorts (gnomAD); Missense variants in this gene are a common cause of disease and they are underrepresented in the general population; In silico analysis supports that this missense variant has a deleterious effect on protein structure/function; Has not been previously published as pathogenic or benign to our knowledge

Labcorp Genetics (formerly Invitae), Labcorp
Classification: Uncertain significance for Hypohidrotic X-linked ectodermal dysplasia. Last evaluated: 2021-08-27. Review status: criteria provided, single submitter. Criteria: Invitae Variant Classification Sherloc (09022015). Collection method: clinical testing. Allele origin: germline.
Comment: This sequence change replaces arginine with tryptophan at codon 33 of the EDA protein (p.Arg33Trp). The arginine residue is moderately conserved and there is a moderate physicochemical difference between arginine and tryptophan. This variant is not present in population databases (ExAC no frequency). This variant has not been reported in the literature in individuals affected with EDA-related conditions. In summary, the available evidence is currently insufficient to determine the role of this variant in disease. Therefore, it has been classified as a Variant of Uncertain Significance.

Natera, Inc.
Classification: Uncertain significance for Christ-Siemens-Touraine syndrome. Last evaluated: 2021-04-27. Review status: no assertion criteria provided. Collection method: clinical testing. Allele origin: germline. Not counted in ClinVar's aggregate classification.

NM_001399.5(EDA):c.97C>T (p.Arg33Trp)

Gene: EDA (ectodysplasin A; plus strand). Cytogenetic location: Xq13.1.
Variant type: single nucleotide variant.
Coding change: c.97C>T on transcript NM_001399.5 (MANE Select); coding-DNA position 97, C replaced by T.
Protein change: p.Arg33Trp; replaces arginine 33 with tryptophan.
Molecular consequence: missense variant.
Genome position (GRCh38, 1-based): chrX:69,616,405, C>T. VCF-style: chrX-69616405-C-T. GRCh37 (hg19) VCF-style: chrX-68836249-C-T.
Other names: c.97C>T, p.Arg33Trp (NM_001005609.2, NM_001005610.4, NM_001005612.3 and 1 more transcripts); short protein forms R33W.
Identifiers: ClinVar variation 583287 (VCV000583287.13), dbSNP rs1168030930, ClinGen allele CA413447070.
Genomic context (GRCh38, chrX:69,616,405, plus strand): 5'-CCTGCAGCAGCGCCGCGGGAGCGAGGGAGCCAGGGCTGCGGGTGTGGCGGGGCCCCTGCC[C>T]GGGCGGGCGAAGGGAACAGCTGCCTGCTCTTCCTGGGTTTCTTTGGCCTCTCGCTGGCCC-3'
Protein context (NP_001390.1, residues 23-43): QGCGCGGAPA[Arg33Trp]AGEGNSCLLF